The following is an entry in ClinVar:

NM_000038.6(APC):c.834+4788G>C

Gene: APC (APC regulator of WNT signaling pathway; plus strand). Cytogenetic location: 5q22.2.
Variant type: single nucleotide variant.
Coding change: c.834+4788G>C on transcript NM_000038.6 (MANE Select); 4788 bases into the intron after coding-DNA position 834, G replaced by C.
Molecular consequence: intron variant.
Genome position (GRCh38, 1-based): chr5:112,806,171, G>C. VCF-style: chr5-112806171-G-C. GRCh37 (hg19) VCF-style: chr5-112141868-G-C.
Other names: c.834+4788G>C (NM_001354895.2, NM_001127510.3, NM_001354896.2 and 1 more transcripts); c.864+4788G>C (NM_001354897.2, NM_001354902.2); c.780+4788G>C (NM_001127511.3); c.759+4788G>C (NM_001354898.2, NM_001354904.2); c.-201-3955G>C (NM_001354906.2); c.750+4788G>C (NM_001354899.2); c.657+4788G>C (NM_001354900.2, NM_001354901.2, NM_001354905.2).
Identifiers: ClinVar variation 83061 (VCV000083061.2), dbSNP rs76301217, ClinGen allele CA014828.

ClinVar aggregate classification (germline): other (0 of 4 stars; one submission).

Conditions:
Familial colorectal cancer. Identifiers: MedGen CN280943, MONDO:0023113. Disease mechanism: loss of function.

Submission:

Systems Biology Platform Zhejiang California International NanoSystems Institute
Classification: other for Familial colorectal cancer. Review status: no assertion criteria provided. Collection method: not provided. Allele origin: unknown.
ClinVar note: Converted during submission from cancer to other.